The following is an entry in ClinVar:

NM_001142800.2(EYS):c.4195del (p.Met1399fs)

Gene: EYS (EGF-like photoreceptor maintenance factor; minus strand). Cytogenetic location: 6q12.
Variant type: Deletion.
Coding change: c.4195del on transcript NM_001142800.2 (MANE Select); coding-DNA position 4195, one base deleted (A; older notation c.4195delA).
Protein change: p.Met1399fs; shifts the reading frame from methionine 1399.
Molecular consequence: frameshift variant.
Genome position (GRCh38, 1-based): chr6:64,591,672, T deleted on the plus strand (A on the coding strand, the reverse complement: EYS is on the minus strand); the first of 2 consecutive T bases (chr6:64,591,672-64,591,673); deleting either gives the same sequence. VCF-style (leftmost placement, unchanged base first): chr6-64591671-AT-A. GRCh37 (hg19) VCF-style: chr6-65301564-AT-A.
Other names: c.4195del, p.Met1399fs (NM_001292009.2); short protein forms M1399fs.
Identifiers: ClinVar variation 1453376 (VCV001453376.6), dbSNP rs2149832355, ClinGen allele CA2573141010.

ClinVar aggregate classification (germline): Pathogenic (1 of 4 stars; one submission).

Submission:

Labcorp Genetics (formerly Invitae), Labcorp
Classification: Pathogenic. Last evaluated: 2021-03-31. Review status: criteria provided, single submitter. Criteria: Invitae Variant Classification Sherloc (09022015). Collection method: clinical testing. Allele origin: germline.
Comment: For these reasons, this variant has been classified as Pathogenic. This variant has not been reported in the literature in individuals with EYS-related conditions. This variant is not present in population databases (ExAC no frequency). This sequence change creates a premature translational stop signal (p.Met1399Cysfs*29) in the EYS gene. It is expected to result in an absent or disrupted protein product. Loss-of-function variants in EYS are known to be pathogenic (PMID: 18836446, 20333770).

Literature cited by the submitters: PubMed 18836446; PubMed 20333770.